The following is an entry in ClinVar:

NM_033159.4(HYAL1):c.443G>A (p.Arg148Gln)

Gene: HYAL1 (hyaluronidase 1; minus strand). Cytogenetic location: 3p21.31.
Variant type: single nucleotide variant.
Coding change: c.443G>A on transcript NM_033159.4 (MANE Select); coding-DNA position 443, G replaced by A.
Protein change: p.Arg148Gln; replaces arginine 148 with glutamine.
Molecular consequence: missense variant. On other transcripts: 5 prime UTR variant (1), non-coding transcript variant (1), intron variant (1).
Genome position (GRCh38, 1-based): chr3:50,302,514, C>T on the plus strand (G>A on the coding strand, the complement: HYAL1 is on the minus strand). VCF-style: chr3-50302514-C-T. GRCh37 (hg19) VCF-style: chr3-50339945-C-T.
Other names: c.443G>A (NM_153281.1); c.443G>A, p.Arg148Gln (NM_153281.2, NM_153282.3); c.-104G>A (NM_153283.3); c.-26-309G>A (NM_153285.3); short protein forms R148Q.
Identifiers: ClinVar variation 1438852 (VCV001438852.4), dbSNP rs144539557, ClinGen allele CA2415949.

ClinVar aggregate classification (germline): Uncertain significance. Review status: criteria provided, multiple submitters, no conflicts (2 of 4 stars). 2 submissions from 2 submitters: Uncertain significance (2). Last evaluated 2025-05-07.

Conditions:
Deficiency of hyaluronoglucosaminidase (MPS9). Also called: MPS IX; Mucopolysaccharidosis type 9; HYALURONIDASE DEFICIENCY. Identifiers: Orphanet 67041, MedGen C1291490, MONDO:0011093, OMIM 601492.

Allele frequency attached by ClinVar (database versions not stated): ESP Exome Variant Server 0.00015.

Submissions (2):

Ambry Genetics
Classification: Uncertain significance. Last evaluated: 2025-05-07. Review status: criteria provided, single submitter. Criteria: Ambry Variant Classification Scheme 2023. Collection method: clinical testing. Allele origin: germline.

Labcorp Genetics (formerly Invitae), Labcorp
Classification: Uncertain significance for Deficiency of hyaluronoglucosaminidase. Last evaluated: 2022-06-13. Review status: criteria provided, single submitter. Criteria: Invitae Variant Classification Sherloc (09022015). Collection method: clinical testing. Allele origin: germline.
Comment: This sequence change replaces arginine, which is basic and polar, with glutamine, which is neutral and polar, at codon 148 of the HYAL1 protein (p.Arg148Gln). This variant is present in population databases (rs144539557, gnomAD 0.04%). This variant has not been reported in the literature in individuals affected with HYAL1-related conditions. Algorithms developed to predict the effect of missense changes on protein structure and function output the following: SIFT: "Tolerated"; PolyPhen-2: "Benign"; Align-GVGD: "Class C0". The glutamine amino acid residue is found in multiple mammalian species, which suggests that this missense change does not adversely affect protein function. In summary, the available evidence is currently insufficient to determine the role of this variant in disease. Therefore, it has been classified as a Variant of Uncertain Significance.